The following is an entry in ClinVar:

Conditions:
Breast-ovarian cancer, familial, susceptibility to, 1 (BROVCA1). Also called: BRCA1 Hereditary Breast and Ovarian Cancer; OVARIAN CANCER, SUSCEPTIBILITY TO. Identifiers: Orphanet 145, MedGen C2676676, MONDO:0011450, OMIM 604370. Disease mechanism: loss of function.

Submission:

Brotman Baty Institute, University of Washington
No classification provided (evidence only). Condition: Breast-ovarian cancer, familial 1. Review status: no classification provided. Collection method: in vitro. Allele origin: not applicable. Functional consequence: functionally_normal.
ClinVar note: "not provided" was previously submitted as the classification for the variant. However, the classification appeared to be based only on an observation of functional data so it was converted to no classification on 2025-07-30.

NM_007294.4(BRCA1):c.5318C>A (p.Thr1773Asn)

Gene: BRCA1 (BRCA1 DNA repair associated; minus strand). Cytogenetic location: 17q21.31.
Variant type: single nucleotide variant.
Coding change: c.5318C>A on transcript NM_007294.4 (MANE Select); coding-DNA position 5318, C replaced by A.
Protein change: p.Thr1773Asn; replaces threonine 1773 with asparagine.
Molecular consequence: missense variant. On other transcripts: non-coding transcript variant (1).
Genome position (GRCh38, 1-based): chr17:43,051,077, G>T on the plus strand (C>A on the coding strand, the complement: BRCA1 is on the minus strand). VCF-style: chr17-43051077-G-T. GRCh37 (hg19) VCF-style: chr17-41203094-G-T.
Other names: c.5171C>A, p.Thr1724Asn (NM_001407848.1, NM_001407849.1, NM_001407850.1 and 12 more transcripts); c.5318C>A, p.Thr1773Asn (NM_001407854.1, NM_001407596.1, NM_001407597.1 and 6 more transcripts); c.5315C>A, p.Thr1772Asn (NM_001407858.1, NM_001407859.1, NM_001407860.1 and 17 more transcripts); c.5102C>A, p.Thr1701Asn (NM_001407916.1, NM_001407917.1, NM_001407918.1 and 1 more transcripts); c.5054C>A, p.Thr1685Asn (NM_001407920.1, NM_001407921.1, NM_001407922.1 and 4 more transcripts); c.5312C>A, p.Thr1771Asn (NM_001407627.1, NM_001407637.1, NM_001407638.1 and 14 more transcripts); c.5309C>A, p.Thr1770Asn (NM_001407644.1, NM_001407645.1); c.5306C>A, p.Thr1769Asn (NM_001407646.1); and 72 more; short protein forms T1726N, T1773N, T669N, T1794N, T602N, T627N, T628N, T631N.
Identifiers: ClinVar variation 865591 (VCV000865591.3), dbSNP rs80357428, ClinGen allele CA10590915.